The following is an entry in ClinVar:

NM_001256715.2(DNAAF3):c.929C>G (p.Thr310Ser)

Genes: DNAAF3 (dynein axonemal assembly factor 3; minus strand), DNAAF3-AS1 (DNAAF3 antisense RNA 1; plus strand). Cytogenetic location: 19q13.42.
Variant type: single nucleotide variant.
Coding change: c.929C>G on transcript NM_001256715.2 (MANE Select); coding-DNA position 929, C replaced by G.
Protein change: p.Thr310Ser; replaces threonine 310 with serine.
Molecular consequence: missense variant.
Genome position (GRCh38, 1-based): chr19:55,160,759, G>C on the plus strand (C>G on the coding strand, the complement: DNAAF3 is on the minus strand). VCF-style: chr19-55160759-G-C. GRCh37 (hg19) VCF-style: chr19-55672127-G-C.
Other names: c.767C>G, p.Thr256Ser (NM_001256716.2); c.1070C>G, p.Thr357Ser (NM_178837.4); c.1133C>G, p.Thr378Ser (NM_001256714.1); short protein forms T256S, T357S, T378S, T310S.
Identifiers: ClinVar variation 837082 (VCV000837082.8), dbSNP rs781136508, ClinGen allele CA9668002.

ClinVar aggregate classification (germline): Uncertain significance. Review status: criteria provided, multiple submitters, no conflicts (2 of 4 stars). 2 submissions from 2 submitters: Uncertain significance (2). Last evaluated 2024-02-21.

Conditions:
Primary ciliary dyskinesia. Also called: Ciliary dyskinesia. Identifiers: Orphanet 244, MedGen C0008780, MONDO:0016575, HP:0012265.

Allele frequency attached by ClinVar (database versions not stated): gnomAD exomes 0.00001; ExAC 0.00002; TOPMed 0.00002; gnomAD 0.00003.
gnomAD v4.1: 15 of 1,611,430 alleles (0.00093%); highest among the groups gnomAD compares: African/African-American, 0.019%; no homozygotes.

Submissions (2):

Ambry Genetics
Classification: Uncertain significance for Primary ciliary dyskinesia. Last evaluated: 2024-02-21. Review status: criteria provided, single submitter. Criteria: Ambry Variant Classification Scheme 2023. Collection method: clinical testing. Allele origin: germline.

Labcorp Genetics (formerly Invitae), Labcorp
Classification: Uncertain significance for Primary ciliary dyskinesia. Last evaluated: 2022-06-13. Review status: criteria provided, single submitter. Criteria: Invitae Variant Classification Sherloc (09022015). Collection method: clinical testing. Allele origin: germline.
Comment: This sequence change replaces threonine, which is neutral and polar, with serine, which is neutral and polar, at codon 378 of the DNAAF3 protein (p.Thr378Ser). This variant is present in population databases (rs781136508, gnomAD 0.007%). This variant has not been reported in the literature in individuals affected with DNAAF3-related conditions. ClinVar contains an entry for this variant (Variation ID: 837082). Algorithms developed to predict the effect of missense changes on protein structure and function output the following: SIFT: "Tolerated"; PolyPhen-2: "Benign"; Align-GVGD: "Class C0". The serine amino acid residue is found in multiple mammalian species, which suggests that this missense change does not adversely affect protein function. In summary, the available evidence is currently insufficient to determine the role of this variant in disease. Therefore, it has been classified as a Variant of Uncertain Significance.